The following is an entry in ClinVar:

NM_006364.4(SEC23A):c.2261del (p.Asp754fs)

Gene: SEC23A (SEC23 homolog A, COPII component; minus strand). Cytogenetic location: 14q21.1.
Variant type: Deletion.
Coding change: c.2261del on transcript NM_006364.4 (MANE Select); coding-DNA position 2261, one base deleted (A; older notation c.2261delA).
Protein change: p.Asp754fs; shifts the reading frame from aspartic acid 754.
Molecular consequence: frameshift variant.
Genome position (GRCh38, 1-based): chr14:39,033,276, T deleted on the plus strand (A on the coding strand, the reverse complement: SEC23A is on the minus strand). VCF-style (leftmost placement, unchanged base first): chr14-39033275-AT-A. GRCh37 (hg19) VCF-style: chr14-39502479-AT-A.
Other names: short protein forms D754fs.
Identifiers: ClinVar variation 2802989 (VCV002802989.3), dbSNP rs2548595771, ClinGen allele CA2739278421.
Genomic context (GRCh38, chr14:39,033,275, plus strand): 5'-AGTGTCTTTAACATTATTAGCACTTCAAGCAGCACTGGACACAGCAAGTTTCTTCAAGTG[AT>A]CCATAAACACTTGTAAACTAACATCATCTGTAAGAATAGGTGCTCCAGACTCCTAGAGGA-3'

ClinVar aggregate classification (germline): Uncertain significance (1 of 4 stars; one submission).

Conditions:
Craniolenticulosutural dysplasia (CLSD). Also called: BOYADJIEV-JABS SYNDROME. Identifiers: Orphanet 50814, MedGen C1843042, MONDO:0011911, OMIM 607812.

Submission:

Labcorp Genetics (formerly Invitae), Labcorp
Classification: Uncertain significance for Craniolenticulosutural dysplasia. Last evaluated: 2022-11-07. Review status: criteria provided, single submitter. Criteria: Invitae Variant Classification Sherloc (09022015). Collection method: clinical testing. Allele origin: germline.
Comment: This sequence change creates a premature translational stop signal (p.Asp754Valfs*3) in the SEC23A gene. While this is not anticipated to result in nonsense mediated decay, it is expected to disrupt the last 12 amino acid(s) of the SEC23A protein. This variant is not present in population databases (gnomAD no frequency). This variant has not been reported in the literature in individuals affected with SEC23A-related conditions. Experimental studies and prediction algorithms are not available or were not evaluated, and the functional significance of this variant is currently unknown. In summary, the available evidence is currently insufficient to determine the role of this variant in disease. Therefore, it has been classified as a Variant of Uncertain Significance.